The following is an entry in ClinVar:

NM_001330260.2(SCN8A):c.5938_5941dup (p.Ter1981LeuextTer?)

Gene: SCN8A (sodium voltage-gated channel alpha subunit 8; plus strand). Cytogenetic location: 12q13.13.
Variant type: Duplication.
Coding change: c.5938_5941dup on transcript NM_001330260.2 (MANE Select); coding-DNA positions 5938 to 5941, 4 bases duplicated (TGTT; older notation c.5938_5941dupTGTT).
Protein change: p.Ter1981LeuextTer?.
Molecular consequence: frameshift variant, stop lost.
Genome position (GRCh38, 1-based): chr12:51,807,424-51,807,427, TGTT duplicated. VCF-style (leftmost placement, unchanged base first): chr12-51807423-G-GTGTT. GRCh37 (hg19) VCF-style: chr12-52201207-G-GTGTT.
Other names: c.5815_5818dup, p.Ter1940LeuextTer? (NM_001177984.3, NM_001369788.1); c.5938_5941dup, p.Ter1981LeuextTer? (NM_014191.4).
Identifiers: ClinVar variation 1490814 (VCV001490814.7), dbSNP rs2138945210, ClinGen allele CA2573148742.
Genomic context (GRCh38, chr12:51,807,423, plus strand): 5'-GCGGGCAGAGGAAGGAAGAAGGGAAAGAGCCAAAAGACAAAAAGAGGTCAGAGAATCCAA[G>GTGTT]TGTTAGAGGAGAACAAAAATTCAGTATTATACAGATCTAAAACTCGCAAGTGAAAGATTG-3'

ClinVar aggregate classification (germline): Uncertain significance (1 of 4 stars; one submission).

Conditions:
Early-infantile DEE. Also called: Ohtahara syndrome; Early infantile epileptic encephalopathy; Early infantile epileptic encephalopathy with suppression bursts. Identifiers: Orphanet 1934, MedGen C0393706, MONDO:0800491.

Submission:

Labcorp Genetics (formerly Invitae), Labcorp
Classification: Uncertain significance for Early-infantile DEE. Last evaluated: 2022-02-24. Review status: criteria provided, single submitter. Criteria: Invitae Variant Classification Sherloc (09022015). Collection method: clinical testing. Allele origin: germline.
Comment: This sequence change disrupts the translational stop signal of the SCN8A mRNA. It is expected to extend the length of the SCN8A protein by 17 additional amino acid residues. In summary, the available evidence is currently insufficient to determine the role of this variant in disease. Therefore, it has been classified as a Variant of Uncertain Significance. Experimental studies and prediction algorithms are not available or were not evaluated, and the functional significance of this variant is currently unknown. This protein extension has been observed in individual(s) with clinical features of SCN8A-related conditions (Invitae). This variant is not present in population databases (gnomAD no frequency).